The following is an entry in ClinVar:

NM_023110.3(FGFR1):c.1270C>T (p.Arg424Cys)

Gene: FGFR1 (fibroblast growth factor receptor 1; minus strand). Cytogenetic location: 8p11.23.
Variant type: single nucleotide variant.
Coding change: c.1270C>T on transcript NM_023110.3 (MANE Select); coding-DNA position 1270, C replaced by T.
Protein change: p.Arg424Cys; replaces arginine 424 with cysteine.
Molecular consequence: missense variant.
Genome position (GRCh38, 1-based): chr8:38,419,547, G>A on the plus strand (C>T on the coding strand, the complement: FGFR1 is on the minus strand). VCF-style: chr8-38419547-G-A. GRCh37 (hg19) VCF-style: chr8-38277065-G-A.
Other names: c.1270C>T, p.Arg424Cys (NM_000604.2, NM_001174063.2); c.1246C>T, p.Arg416Cys (NM_001174064.2); c.1264C>T, p.Arg422Cys (NM_001174065.2, NM_001354367.2, NM_001354369.2 and 2 more transcripts); c.1003C>T, p.Arg335Cys (NM_001174066.2, NM_023105.3); c.1363C>T, p.Arg455Cys (NM_001174067.2); c.997C>T, p.Arg333Cys (NM_001354368.2, NM_001354370.2, NM_023106.3); short protein forms R424C, R455C, R333C, R335C, R416C, R422C.
Identifiers: ClinVar variation 2084914 (VCV002084914.5), dbSNP rs369096310, ClinGen allele CA4718449.

ClinVar aggregate classification (germline): Uncertain significance. Review status: criteria provided, multiple submitters, no conflicts (2 of 4 stars). 2 submissions from 2 submitters: Uncertain significance (2). Last evaluated 2025-06-17.

Conditions:
Hypogonadotropic hypogonadism 2 with or without anosmia (HH2). Also called: FGFR1-Related GnRH Deficiency (Kallmann Syndrome 2); HYPOGONADOTROPIC HYPOGONADISM 2 WITH OR WITHOUT ANOSMIA, SUSCEPTIBILITY TO; HYPOGONADOTROPIC HYPOGONADISM 2 WITHOUT ANOSMIA, SUSCEPTIBILITY TO; HYPOGONADOTROPIC HYPOGONADISM 2 WITHOUT ANOSMIA. Identifiers: Orphanet 478, MedGen C1563720, MONDO:0007844, OMIM 147950. Disease mechanism: loss of function.
Pfeiffer syndrome (ACS5). Also called: ACS V. Identifiers: Orphanet 710, MedGen C0220658, MONDO:0007043, OMIM 101600.

Allele frequency attached by ClinVar (database versions not stated): ExAC 0.00001; gnomAD 0.00001; gnomAD exomes 0.00001; TOPMed 0.00002; ESP Exome Variant Server 0.00008.
gnomAD v4.1: 23 of 1,613,958 alleles (0.0014%); highest among the groups gnomAD compares: East Asian, 0.011%; no homozygotes.

Submissions (2):

Labcorp Genetics (formerly Invitae), Labcorp
Classification: Uncertain significance for Pfeiffer syndrome; Hypogonadotropic hypogonadism 2 with or without anosmia. Last evaluated: 2025-06-17. Review status: criteria provided, single submitter. Criteria: Invitae Variant Classification Sherloc (09022015). Collection method: clinical testing. Allele origin: germline.
Comment: This sequence change replaces arginine, which is basic and polar, with cysteine, which is neutral and slightly polar, at codon 424 of the FGFR1 protein (p.Arg424Cys). This variant is present in population databases (rs369096310, gnomAD 0.005%). This missense change has been observed in individual(s) with Kallmann syndrome (PMID: 37805574). ClinVar contains an entry for this variant (Variation ID: 2084914). Invitae Evidence Modeling of protein sequence and biophysical properties (such as structural, functional, and spatial information, amino acid conservation, physicochemical variation, residue mobility, and thermodynamic stability) indicates that this missense variant is not expected to disrupt FGFR1 protein function with a negative predictive value of 80%. This variant disrupts the p.Arg424 amino acid residue in FGFR1. Other variant(s) that disrupt this residue have been observed in individuals with FGFR1-related conditions (PMID: 33983622), which suggests that this may be a clinically significant amino acid residue. In summary, the available evidence is currently insufficient to determine the role of this variant in disease. Therefore, it has been classified as a Variant of Uncertain Significance.

Reproductive Endocrine Unit, Massachusetts General Hospital
Classification: Uncertain significance for Hypogonadotropic hypogonadism 2 with or without anosmia. Last evaluated: 2023-05-04. Review status: criteria provided, single submitter. Criteria: ACMG Guidelines, 2015. Collection method: research. Allele origin: unknown. Affected: yes. Observed: 2 variant alleles.

Literature cited by the submitters: PubMed 37805574 (cited by Labcorp Genetics (formerly Invitae), Labcorp); PubMed 33983622 (cited by Labcorp Genetics (formerly Invitae), Labcorp).